The following is an entry in ClinVar:

NM_003334.4(UBA1):c.2270A>G (p.Asn757Ser)

Gene: UBA1 (ubiquitin like modifier activating enzyme 1; plus strand). Cytogenetic location: Xp11.3.
Variant type: single nucleotide variant.
Coding change: c.2270A>G on transcript NM_003334.4 (MANE Select); coding-DNA position 2270, A replaced by G.
Protein change: p.Asn757Ser; replaces asparagine 757 with serine.
Molecular consequence: missense variant.
Genome position (GRCh38, 1-based): chrX:47,210,912, A>G. VCF-style: chrX-47210912-A-G. GRCh37 (hg19) VCF-style: chrX-47070311-A-G.
Other names: c.2270A>G, p.Asn757Ser (NM_153280.3); short protein forms N757S.
Identifiers: ClinVar variation 648255 (VCV000648255.9), dbSNP rs1556793160, ClinGen allele CA412808003.
Genomic context (GRCh38, chrX:47,210,912, plus strand): 5'-CAGGAGCGCCGTTCTGGTCTGGGCCCAAACGCTGTCCACACCCGCTCACCTTTGATGTCA[A>G]CAATGTAAGTCTCCTTTCTAGGGTCTTCTGGGGTCAGGTGGAGGGTGAATAGGTGGGAAG-3'
Protein context (NP_003325.2, residues 747-767): RCPHPLTFDV[Asn757Ser]NPLHLDYVMA

ClinVar aggregate classification (germline): Uncertain significance. Review status: criteria provided, multiple submitters, no conflicts (2 of 4 stars). 2 submissions from 2 submitters: Uncertain significance (2). Last evaluated 2025-05-15.

Conditions:
Inborn genetic diseases. Identifiers: MedGen C0950123, MeSH D030342.
Infantile-onset X-linked spinal muscular atrophy. Also called: Spinal Muscular Atrophy, X-Linked Infantile; SPINAL MUSCULAR ATROPHY, X-LINKED LETHAL INFANTILE; AMC, DISTAL, X-LINKED; ARTHROGRYPOSIS, X-LINKED, TYPE I; Spinal muscular atrophy, X-linked 2. Identifiers: Orphanet 1145, MedGen C1844934, MONDO:0010532, OMIM 301830.

Allele frequency attached by ClinVar (database versions not stated): TOPMed below 0.00001; gnomAD exomes 0.00001.

Submissions (2):

Ambry Genetics
Classification: Uncertain significance for Inborn genetic diseases. Last evaluated: 2025-05-15. Review status: criteria provided, single submitter. Criteria: Ambry Variant Classification Scheme 2023. Collection method: clinical testing. Allele origin: germline.

Labcorp Genetics (formerly Invitae), Labcorp
Classification: Uncertain significance for Infantile-onset X-linked spinal muscular atrophy. Last evaluated: 2024-03-18. Review status: criteria provided, single submitter. Criteria: Invitae Variant Classification Sherloc (09022015). Collection method: clinical testing. Allele origin: germline.
Comment: This sequence change replaces asparagine, which is neutral and polar, with serine, which is neutral and polar, at codon 757 of the UBA1 protein (p.Asn757Ser). This variant is present in population databases (no rsID available, gnomAD 0.004%). This variant has not been reported in the literature in individuals affected with UBA1-related conditions. ClinVar contains an entry for this variant (Variation ID: 648255). Algorithms developed to predict the effect of missense changes on protein structure and function output the following: SIFT: "Not Available"; PolyPhen-2: "Benign"; Align-GVGD: "Not Available". The serine amino acid residue is found in multiple mammalian species, which suggests that this missense change does not adversely affect protein function. In summary, the available evidence is currently insufficient to determine the role of this variant in disease. Therefore, it has been classified as a Variant of Uncertain Significance.